The following is an entry in ClinVar:

ClinVar aggregate classification (germline): Uncertain significance. Review status: criteria provided, multiple submitters, no conflicts (2 of 4 stars). 2 submissions from 2 submitters: Uncertain significance (2). Last evaluated 2024-01-24.

Conditions:
Hereditary breast ovarian cancer syndrome. Also called: Hereditary breast and ovarian cancer syndrome (HBOC); Hereditary breast and ovarian cancer syndrome; Breast and ovarian cancer; Hereditary breast and/or ovarian cancer syndrome; Hereditary breast and ovarian cancer; BRCA1- and BRCA2-Associated Hereditary Breast and Ovarian Cancer. Identifiers: Orphanet 145, MedGen C0677776, MeSH D061325, MONDO:0003582. Disease mechanism: loss of function.
Familial cancer of breast. Also called: BREAST CANCER, FAMILIAL; Hereditary breast cancer; hereditary breast carcinoma. Identifiers: Orphanet 227535, MedGen C0346153, MONDO:0016419, OMIM 114480. Disease mechanism: loss of function.

Submissions (2):

Baylor Genetics
Classification: Uncertain significance for Familial cancer of breast. Last evaluated: 2024-01-24. Review status: criteria provided, single submitter. Criteria: ACMG Guidelines, 2015. Collection method: clinical testing. Allele origin: unknown.

Labcorp Genetics (formerly Invitae), Labcorp
Classification: Uncertain significance for Hereditary breast ovarian cancer syndrome. Last evaluated: 2022-09-07. Review status: criteria provided, single submitter. Criteria: Invitae Variant Classification Sherloc (09022015). Collection method: clinical testing. Allele origin: germline.
Comment: This sequence change replaces phenylalanine, which is neutral and non-polar, with valine, which is neutral and non-polar, at codon 2335 of the BRCA2 protein (p.Phe2335Val). This variant is not present in population databases (gnomAD no frequency). In summary, the available evidence is currently insufficient to determine the role of this variant in disease. Therefore, it has been classified as a Variant of Uncertain Significance. Advanced modeling of protein sequence and biophysical properties (such as structural, functional, and spatial information, amino acid conservation, physicochemical variation, residue mobility, and thermodynamic stability) performed at Invitae indicates that this missense variant is not expected to disrupt BRCA2 protein function. ClinVar contains an entry for this variant (Variation ID: 462425). This variant has not been reported in the literature in individuals affected with BRCA2-related conditions.

NM_000059.4(BRCA2):c.7003T>G (p.Phe2335Val)

Gene: BRCA2 (BRCA2 DNA repair associated; plus strand). Cytogenetic location: 13q13.1.
Variant type: single nucleotide variant.
Coding change: c.7003T>G on transcript NM_000059.4 (MANE Select); coding-DNA position 7003, T replaced by G.
Protein change: p.Phe2335Val; replaces phenylalanine 2335 with valine.
Molecular consequence: missense variant.
Genome position (GRCh38, 1-based): chr13:32,346,892, T>G. VCF-style: chr13-32346892-T-G. GRCh37 (hg19) VCF-style: chr13-32921029-T-G.
Other names: short protein forms F2335V.
Identifiers: ClinVar variation 462425 (VCV000462425.10), dbSNP rs1555285365, ClinGen allele CA387793185.